The following is an entry in ClinVar:

ClinVar aggregate classification (germline): Uncertain significance (1 of 4 stars; one submission).

Conditions:
Tuberous sclerosis 2 (TSC2). Identifiers: Orphanet 805, MedGen C1860707, MONDO:0013199, OMIM 613254.

Submission:

Labcorp Genetics (formerly Invitae), Labcorp
Classification: Uncertain significance for Tuberous sclerosis 2. Last evaluated: 2021-10-18. Review status: criteria provided, single submitter. Criteria: Invitae Variant Classification Sherloc (09022015). Collection method: clinical testing. Allele origin: germline.
Comment: This variant is not present in population databases (ExAC no frequency). In summary, the available evidence is currently insufficient to determine the role of this variant in disease. Therefore, it has been classified as a Variant of Uncertain Significance. Advanced modeling of protein sequence and biophysical properties (such as structural, functional, and spatial information, amino acid conservation, physicochemical variation, residue mobility, and thermodynamic stability) performed at Invitae indicates that this missense variant is not expected to disrupt TSC2 protein function. This variant has not been reported in the literature in individuals with TSC2-related conditions. This sequence change replaces valine with leucine at codon 142 of the TSC2 protein (p.Val142Leu). The valine residue is highly conserved and there is a small physicochemical difference between valine and leucine.

NM_000548.5(TSC2):c.424G>C (p.Val142Leu)

Gene: TSC2 (TSC complex subunit 2; plus strand). Cytogenetic location: 16p13.3.
Variant type: single nucleotide variant.
Coding change: c.424G>C on transcript NM_000548.5 (MANE Select); coding-DNA position 424, G replaced by C.
Protein change: p.Val142Leu; replaces valine 142 with leucine.
Molecular consequence: missense variant. On other transcripts: intron variant (1).
Genome position (GRCh38, 1-based): chr16:2,054,383, G>C. VCF-style: chr16-2054383-G-C. GRCh37 (hg19) VCF-style: chr16-2104384-G-C.
Other names: c.424G>C, p.Val142Leu (NM_001077183.3, NM_001114382.3, NM_001363528.2 and 3 more transcripts); c.313G>C, p.Val105Leu (NM_001318827.2); c.277G>C, p.Val93Leu (NM_001318829.2); c.457G>C, p.Val153Leu (NM_001318832.2); c.-1-1813G>C (NM_001318831.2); short protein forms V153L, V93L, V142L, V105L.
Identifiers: ClinVar variation 1354799 (VCV001354799.6), dbSNP rs2151043003, ClinGen allele CA394307241.